The following is an entry in ClinVar:

NM_001080512.3(BICC1):c.2137G>A (p.Glu713Lys)

Gene: BICC1 (BicC family RNA binding protein 1; plus strand). Cytogenetic location: 10q21.1.
Variant type: single nucleotide variant.
Coding change: c.2137G>A on transcript NM_001080512.3 (MANE Select); coding-DNA position 2137, G replaced by A.
Protein change: p.Glu713Lys; replaces glutamic acid 713 with lysine.
Molecular consequence: missense variant.
Genome position (GRCh38, 1-based): chr10:58,803,198, G>A. VCF-style: chr10-58803198-G-A. GRCh37 (hg19) VCF-style: chr10-60562958-G-A.
Other names: c.2137G>A (NM_001080512.1); short protein forms E713K.
Identifiers: ClinVar variation 3604870 (VCV003604870.3).

ClinVar aggregate classification (germline): Conflicting classifications of pathogenicity. Review status: criteria provided, conflicting classifications (1 of 4 stars). 2 submissions from 2 submitters: Uncertain significance (1); Likely benign (1). Last evaluated 2025-01-06.

gnomAD v4.1: 53 of 1,609,084 alleles (0.0033%); highest among the groups gnomAD compares: Non-Finnish European, 0.0041%; no homozygotes.

Submissions (2):

Labcorp Genetics (formerly Invitae), Labcorp
Classification: Uncertain significance. Last evaluated: 2025-01-06. Review status: criteria provided, single submitter. Criteria: Invitae Variant Classification Sherloc (09022015). Collection method: clinical testing. Allele origin: germline.
Comment: This sequence change replaces glutamic acid, which is acidic and polar, with lysine, which is basic and polar, at codon 713 of the BICC1 protein (p.Glu713Lys). This variant is present in population databases (rs762823364, gnomAD 0.004%). This variant has not been reported in the literature in individuals affected with BICC1-related conditions. An algorithm developed to predict the effect of missense changes on protein structure and function (PolyPhen-2) suggests that this variant is likely to be tolerated. In summary, the available evidence is currently insufficient to determine the role of this variant in disease. Therefore, it has been classified as a Variant of Uncertain Significance.

Ambry Genetics
Classification: Likely benign. Last evaluated: 2025-01-03. Review status: criteria provided, single submitter. Criteria: Ambry Variant Classification Scheme 2023. Collection method: clinical testing. Allele origin: germline.